The following is an entry in ClinVar:

NM_006904.7(PRKDC):c.7414C>G (p.Gln2472Glu)

Gene: PRKDC (protein kinase, DNA-activated, catalytic subunit; minus strand). Cytogenetic location: 8q11.21.
Variant type: single nucleotide variant.
Coding change: c.7414C>G on transcript NM_006904.7 (MANE Select); coding-DNA position 7414, C replaced by G.
Protein change: p.Gln2472Glu; replaces glutamine 2472 with glutamic acid.
Molecular consequence: missense variant.
Genome position (GRCh38, 1-based): chr8:47,840,056, G>C on the plus strand (C>G on the coding strand, the complement: PRKDC is on the minus strand). VCF-style: chr8-47840056-G-C. GRCh37 (hg19) VCF-style: chr8-48752617-G-C.
Other names: c.7414C>G, p.Gln2472Glu (NM_001081640.2); short protein forms Q2472E.
Identifiers: ClinVar variation 837590 (VCV000837590.7), dbSNP rs368762969, ClinGen allele CA4740120.

ClinVar aggregate classification (germline): Uncertain significance (1 of 4 stars; one submission).

Conditions:
Severe combined immunodeficiency due to DNA-PKcs deficiency. Also called: IMMUNODEFICIENCY 26 WITH NEUROLOGIC ABNORMALITIES; Immunodeficiency 26 with or without neurologic abnormalities. Identifiers: Orphanet 317425, MedGen C4014833, MONDO:0014423, OMIM 615966.

Allele frequency attached by ClinVar (database versions not stated): gnomAD 0.00002; TOPMed 0.00002; gnomAD exomes 0.00003 and 0.00006; ExAC 0.00017; ESP Exome Variant Server 0.00017.
gnomAD v4.1: 81 of 1,554,726 alleles (0.0052%); highest among the groups gnomAD compares: Non-Finnish European, 0.007%; no homozygotes.

Submission:

Labcorp Genetics (formerly Invitae), Labcorp
Classification: Uncertain significance for Severe combined immunodeficiency due to DNA-PKcs deficiency. Last evaluated: 2022-04-13. Review status: criteria provided, single submitter. Criteria: Invitae Variant Classification Sherloc (09022015). Collection method: clinical testing. Allele origin: germline.
Comment: This sequence change replaces glutamine, which is neutral and polar, with glutamic acid, which is acidic and polar, at codon 2472 of the PRKDC protein (p.Gln2472Glu). This variant is present in population databases (rs368762969, gnomAD 0.009%). This variant has not been reported in the literature in individuals affected with PRKDC-related conditions. ClinVar contains an entry for this variant (Variation ID: 837590). Experimental studies and prediction algorithms are not available or were not evaluated, and the functional significance of this variant is currently unknown. In summary, the available evidence is currently insufficient to determine the role of this variant in disease. Therefore, it has been classified as a Variant of Uncertain Significance.